The following is an entry in ClinVar:

ClinVar aggregate classification (germline): Pathogenic. Review status: criteria provided, multiple submitters, no conflicts (2 of 4 stars). 4 submissions from 4 submitters: Pathogenic (4). Last evaluated 2024-08-22.

Conditions:
NPC1-related disorder. Also called: NPC1-related condition.
Niemann-Pick disease, type C1. Also called: NEUROVISCERAL STORAGE DISEASE WITH VERTICAL SUPRANUCLEAR OPHTHALMOPLEGIA; NIEMANN-PICK DISEASE WITH CHOLESTEROL ESTERIFICATION BLOCK; NIEMANN-PICK DISEASE WITHOUT SPHINGOMYELINASE DEFICIENCY; NIEMANN-PICK DISEASE, CHRONIC NEURONOPATHIC FORM; NIEMANN-PICK DISEASE, VARIANT TYPE C1. Identifiers: Orphanet 646, MedGen C3179455, MONDO:0009757, OMIM 257220.

Submissions (4):

Revvity Omics, Revvity
Classification: Pathogenic for Niemann-Pick disease, type C1. Last evaluated: 2024-08-22. Review status: criteria provided, single submitter. Criteria: ACMG Guidelines, 2015. Collection method: clinical testing. Allele origin: germline.

Institute of Human Genetics, University of Leipzig Medical Center
Classification: Pathogenic for Niemann-Pick disease, type C1. Last evaluated: 2023-07-26. Review status: criteria provided, single submitter. Criteria: ACMG Guidelines, 2015. Collection method: clinical testing. Allele origin: unknown. Inheritance: Autosomal recessive inheritance. Affected: yes.
Comment: Criteria applied: PVS1,PS4_MOD,PM2_SUP

PreventionGenetics, part of Exact Sciences
Classification: Pathogenic for NPC1-related condition. Last evaluated: 2023-05-22. Review status: criteria provided, single submitter. Criteria: ACMG Guidelines, 2015. Collection method: clinical testing. Allele origin: germline.
Comment: The NPC1 c.3618delA variant is predicted to result in a frameshift and premature protein termination (p.Lys1206Asnfs*36). This variant was reported in the compound heterozygous state in individuals with Niemann-Pick disease, type C (Table 3, Yamamoto et al. 2000. PubMed ID: 11182931; Kumagai et al. 2019. PubMed ID: 30737051). This variant is reported in 0.0054% of alleles in individuals of East Asian descent in gnomAD. Frameshift variants in NPC1 are expected to be pathogenic. This variant is interpreted as pathogenic.

Labcorp Genetics (formerly Invitae), Labcorp
Classification: Pathogenic for Niemann-Pick disease, type C1. Last evaluated: 2022-12-31. Review status: criteria provided, single submitter. Criteria: Invitae Variant Classification Sherloc (09022015). Collection method: clinical testing. Allele origin: germline.
Comment: For these reasons, this variant has been classified as Pathogenic. This sequence change creates a premature translational stop signal (p.Lys1206Asnfs*36) in the NPC1 gene. While this is not anticipated to result in nonsense mediated decay, it is expected to disrupt the last 73 amino acid(s) of the NPC1 protein. This variant is present in population databases (no rsID available, gnomAD 0.006%). This premature translational stop signal has been observed in individual(s) with Niemann-Pick type C (PMID: 11182931, 30737051).

Literature cited by the submitters: PubMed 11182931 (cited by Labcorp Genetics (formerly Invitae), Labcorp); PubMed 30737051 (cited by Labcorp Genetics (formerly Invitae), Labcorp).

NM_000271.5(NPC1):c.3618del (p.Lys1206fs)

Gene: NPC1 (NPC intracellular cholesterol transporter 1; minus strand). Cytogenetic location: 18q11.2.
Variant type: Deletion.
Coding change: c.3618del on transcript NM_000271.5 (MANE Select); coding-DNA position 3618, one base deleted (A; older notation c.3618delA).
Protein change: p.Lys1206fs; shifts the reading frame from lysine 1206.
Molecular consequence: frameshift variant.
Genome position (GRCh38, 1-based): chr18:23,533,491, T deleted on the plus strand (A on the coding strand, the reverse complement: NPC1 is on the minus strand); the first of 4 consecutive T bases (chr18:23,533,491-23,533,494); deleting any one gives the same sequence. VCF-style (leftmost placement, unchanged base first): chr18-23533490-AT-A. GRCh37 (hg19) VCF-style: chr18-21113454-AT-A.
Other names: c.3618delA (NM_000271.4); short protein forms K1206fs.
Identifiers: ClinVar variation 2138130 (VCV002138130.8), dbSNP rs1179995303, ClinGen allele CA628677361.